The following is an entry in ClinVar:

ClinVar aggregate classification (germline): Likely benign (0 of 4 stars; one submission).

Conditions:
UNC13A-related disorder. Also called: UNC13A-related condition.

Allele frequency attached by ClinVar (database versions not stated): TOPMed below 0.00001; ExAC 0.00001; gnomAD exomes 0.00001; ESP Exome Variant Server 0.00008.
gnomAD v4.1: 11 of 1,613,810 alleles (0.00068%); highest among the groups gnomAD compares: Admixed American, 0.0033%; no homozygotes.

Submission:

PreventionGenetics, part of Exact Sciences
Classification: Likely benign for UNC13A-related condition. Last evaluated: 2023-03-10. Review status: no assertion criteria provided. Collection method: clinical testing. Allele origin: germline.
Comment: This variant is classified as likely benign based on ACMG/AMP sequence variant interpretation guidelines (Richards et al. 2015 PMID: 25741868, with internal and published modifications).

NM_001080421.3(UNC13A):c.111G>A (p.Ala37=)

Gene: UNC13A (unc-13 homolog A; minus strand). Cytogenetic location: 19p13.11.
Variant type: single nucleotide variant.
Coding change: c.111G>A on transcript NM_001080421.3 (MANE Select); coding-DNA position 111, G replaced by A.
Protein change: p.Ala37=; no amino-acid change (alanine 37 retained).
Molecular consequence: synonymous variant.
Genome position (GRCh38, 1-based): chr19:17,674,698, C>T on the plus strand (G>A on the coding strand, the complement: UNC13A is on the minus strand). VCF-style: chr19-17674698-C-T. GRCh37 (hg19) VCF-style: chr19-17785507-C-T.
Other names: c.111G>A, p.Ala37= (NM_001387021.1, NM_001387022.1, NM_001387023.1).
Identifiers: ClinVar variation 3058554 (VCV003058554.2), dbSNP rs372647588, ClinGen allele CA9298893.